The following is an entry in ClinVar:

NM_004744.5(LRAT):c.462C>A (p.Tyr154Ter)

Gene: LRAT (lecithin retinol acyltransferase; plus strand). Cytogenetic location: 4q32.1.
Variant type: single nucleotide variant.
Coding change: c.462C>A on transcript NM_004744.5 (MANE Select); coding-DNA position 462, C replaced by A.
Protein change: p.Tyr154Ter; replaces tyrosine 154 with a stop codon.
Molecular consequence: nonsense.
Genome position (GRCh38, 1-based): chr4:154,744,788, C>A. VCF-style: chr4-154744788-C-A. GRCh37 (hg19) VCF-style: chr4-155665940-C-A.
Other names: c.462C>A, p.Tyr154Ter (NM_001301645.2); short protein forms Y154*.
Identifiers: ClinVar variation 2746775 (VCV002746775.3), dbSNP rs1560871145, ClinGen allele CA358630737.

ClinVar aggregate classification (germline): Pathogenic (1 of 4 stars; one submission).

Submission:

Labcorp Genetics (formerly Invitae), Labcorp
Classification: Pathogenic. Last evaluated: 2023-07-25. Review status: criteria provided, single submitter. Criteria: Invitae Variant Classification Sherloc (09022015). Collection method: clinical testing. Allele origin: germline.
Comment: For these reasons, this variant has been classified as Pathogenic. This variant has not been reported in the literature in individuals affected with LRAT-related conditions. This variant is not present in population databases (gnomAD no frequency). This sequence change creates a premature translational stop signal (p.Tyr154*) in the LRAT gene. It is expected to result in an absent or disrupted protein product. Loss-of-function variants in LRAT are known to be pathogenic (PMID: 22559933, 24265693).

Literature cited by the submitters: PubMed 22559933; PubMed 24265693.